The following is an entry in ClinVar:

NM_000465.4(BARD1):c.113dup (p.Ala39fs)

Gene: BARD1 (BRCA1 associated RING domain 1; minus strand). Cytogenetic location: 2q35.
Variant type: Duplication.
Coding change: c.113dup on transcript NM_000465.4 (MANE Select); coding-DNA position 113, one base duplicated (G; older notation c.113dupG).
Protein change: p.Ala39fs; shifts the reading frame from alanine 39.
Molecular consequence: frameshift variant. On other transcripts: non-coding transcript variant (3).
Genome position (GRCh38, 1-based): chr2:214,809,457, C duplicated on the plus strand (G on the coding strand, the reverse complement: BARD1 is on the minus strand). VCF-style (leftmost placement, unchanged base first): chr2-214809456-G-GC. GRCh37 (hg19) VCF-style: chr2-215674180-G-GC.
Other names: c.113dup, p.Ala39fs (NM_001282543.2, NM_001282545.2, NM_001282548.2 and 1 more transcripts); short protein forms A39fs.
Identifiers: ClinVar variation 4621586 (VCV004621586.1).

ClinVar aggregate classification (germline): Pathogenic (1 of 4 stars; one submission).

Conditions:
Hereditary cancer-predisposing syndrome. Also called: Neoplastic Syndromes, Hereditary; Tumor predisposition; Hereditary Cancer Syndrome; Hereditary neoplastic syndrome. Identifiers: Orphanet 140162, MedGen C0027672, MeSH D009386, MONDO:0015356.

Submission:

Ambry Genetics
Classification: Pathogenic for Hereditary cancer-predisposing syndrome. Last evaluated: 2025-10-06. Review status: criteria provided, single submitter. Criteria: Ambry Variant Classification Scheme 2023. Collection method: clinical testing. Allele origin: germline.
Comment: The c.113dupG pathogenic mutation, located in coding exon 1 of the BARD1 gene, results from a duplication of G at nucleotide position 113, causing a translational frameshift with a predicted alternate stop codon (p.A39Rfs*17). This variant is considered to be rare based on population cohorts in the Genome Aggregation Database (gnomAD). This alteration is expected to result in loss of function by premature protein truncation or nonsense-mediated mRNA decay. As such, this alteration is interpreted as a disease-causing mutation.